The following is an entry in ClinVar:

NM_000536.4(RAG2):c.358del (p.Val120fs)

Gene: RAG2 (recombination activating 2; minus strand). Cytogenetic location: 11p12.
Variant type: Deletion.
Coding change: c.358del on transcript NM_000536.4 (MANE Select); coding-DNA position 358, one base deleted (G; older notation c.358delG).
Protein change: p.Val120fs; shifts the reading frame from valine 120.
Molecular consequence: frameshift variant.
Genome position (GRCh38, 1-based): chr11:36,593,811, C deleted on the plus strand (G on the coding strand, the reverse complement: RAG2 is on the minus strand); the first of 2 consecutive C bases (chr11:36,593,811-36,593,812); deleting either gives the same sequence. VCF-style (leftmost placement, unchanged base first): chr11-36593810-AC-A. GRCh37 (hg19) VCF-style: chr11-36615360-AC-A.
Other names: c.358del, p.Val120fs (NM_001243785.2, NM_001243786.2); short protein forms V120fs.
Identifiers: ClinVar variation 1460395 (VCV001460395.6), dbSNP rs1342428152, ClinGen allele CA598865143.

ClinVar aggregate classification (germline): Pathogenic (1 of 4 stars; one submission).

Conditions:
Severe combined immunodeficiency, autosomal recessive, T cell-negative, B cell-negative, NK cell-positive. Also called: Severe combined immunodeficiency due to complete RAG1/2 deficiency; SCID, T CELL-NEGATIVE, B CELL-NEGATIVE, NK CELL-POSITIVE; SCID, AR, T-cell negative, B-cell negative, NK cell-positive. Identifiers: Orphanet 331206, MedGen C1832322, MONDO:0011086, OMIM 601457.
Combined immunodeficiency with skin granulomas. Identifiers: Orphanet 157949, MedGen C2673536, MONDO:0009306, OMIM 233650.

Submission:

Labcorp Genetics (formerly Invitae), Labcorp
Classification: Pathogenic for Combined immunodeficiency with skin granulomas; Severe combined immunodeficiency, autosomal recessive, T cell-negative, B cell-negative, NK cell-positive. Last evaluated: 2021-11-26. Review status: criteria provided, single submitter. Criteria: Invitae Variant Classification Sherloc (09022015). Collection method: clinical testing. Allele origin: germline.
Comment: This premature translational stop signal has been observed in individual(s) with clinical features of severe combined immunodeficiency (PMID: 21184155, 32888943). This variant is present in population databases (no rsID available, gnomAD 0.003%). This sequence change creates a premature translational stop signal (p.Val120Leufs*11) in the RAG2 gene. While this is not anticipated to result in nonsense mediated decay, it is expected to disrupt the last 408 amino acid(s) of the RAG2 protein. This variant disrupts a region of the RAG2 protein in which other variant(s) (p.Glu480*) have been determined to be pathogenic (PMID: 21624848, 29772310). This suggests that this is a clinically significant region of the protein, and that variants that disrupt it are likely to be disease-causing. For these reasons, this variant has been classified as Pathogenic.

Literature cited by the submitters: PubMed 21184155; PubMed 32888943; PubMed 21624848; PubMed 29772310.